The following is an entry in ClinVar:

ClinVar aggregate classification (germline): Uncertain significance (1 of 4 stars; one submission).

Submission:

Dasa
Classification: Uncertain significance. Last evaluated: 2025-07-07. Review status: criteria provided, single submitter. Criteria: DASA Assertion Criteria. Collection method: clinical testing. Allele origin: germline.
Comment: NM_001037132.4(NRCAM):c.3259G>T (p.Glu1087*) is a nonsense variant in NRCAM predicted to introduce a premature termination codon and is predicted to result in an absent or altered protein product. This variant is absent from population databases. The currently available literature and clinical evidence are not sufficient to establish a definitive association between this variant and the reported condition. Therefore, this variant is classified as a variant of uncertain significance.

NM_001037132.4(NRCAM):c.3259G>T (p.Glu1087Ter)

Gene: NRCAM (neuronal cell adhesion molecule; minus strand). Cytogenetic location: 7q31.1.
Variant type: single nucleotide variant.
Coding change: c.3259G>T on transcript NM_001037132.4 (MANE Select); coding-DNA position 3259, G replaced by T.
Protein change: p.Glu1087Ter; replaces glutamic acid 1087 with a stop codon.
Molecular consequence: nonsense. On other transcripts: non-coding transcript variant (1), intron variant (53).
Genome position (GRCh38, 1-based): chr7:108,168,331, C>A on the plus strand (G>T on the coding strand, the complement: NRCAM is on the minus strand). VCF-style: chr7-108168331-C-A. GRCh37 (hg19) VCF-style: chr7-107808776-C-A.
Other names: c.3211G>T, p.Glu1071Ter (NM_001371119.1); c.3202G>T, p.Glu1068Ter (NM_001371124.1, NM_001371126.1, NM_001371145.1 and 1 more transcripts); c.3259G>T, p.Glu1087Ter (NM_001371131.1); c.3175G>T, p.Glu1059Ter (NM_001371136.1); c.3166G>T, p.Glu1056Ter (NM_001371140.1, NM_001371146.1); c.2914G>T, p.Glu972Ter (NM_001371143.1, NM_001371164.1); c.3268G>T, p.Glu1090Ter (NM_001371156.1); c.3223G>T, p.Glu1075Ter (NM_001371169.1); and 24 more; short protein forms E1056*, E1059*, E1068*, E1071*, E1075*, E1087*, E1090*, E972*.
Identifiers: ClinVar variation 4881263 (VCV004881263.2).